The following is an entry in ClinVar:

NM_001128228.3(TPRN):c.952C>T (p.Arg318Trp)

Gene: TPRN (taperin; minus strand). Cytogenetic location: 9q34.3.
Variant type: single nucleotide variant.
Coding change: c.952C>T on transcript NM_001128228.3 (MANE Select); coding-DNA position 952, C replaced by T.
Protein change: p.Arg318Trp; replaces arginine 318 with tryptophan.
Molecular consequence: missense variant.
Genome position (GRCh38, 1-based): chr9:137,199,760, G>A on the plus strand (C>T on the coding strand, the complement: TPRN is on the minus strand). VCF-style: chr9-137199760-G-A. GRCh37 (hg19) VCF-style: chr9-140094212-G-A.
Other names: c.952C>T (NM_001128228.2); short protein forms R318W.
Identifiers: ClinVar variation 1588354 (VCV001588354.10), dbSNP rs374735561, ClinGen allele CA5362849.
Genomic context (GRCh38, chr9:137,199,760, plus strand): 5'-TGCTCTTGGGGATGACCATGAAAGAATTTCGAGAGTTTGCGCGGAGGCTGGCCAGCGCCC[G>A]GGCCTGGAGGTCCCCCAAGGGGATGGTCTCCATAACTGGCTTGGGGGCCGGCCGTATCTC-3'
Protein context (NP_001121700.2, residues 308-328): ETIPLGDLQA[Arg318Trp]ALASLRANSR

ClinVar aggregate classification (germline): Conflicting classifications of pathogenicity. Review status: criteria provided, conflicting classifications (1 of 4 stars). 3 submissions from 3 submitters: Uncertain significance (2); Likely benign (1). Last evaluated 2026-04-26.

Conditions:
TPRN-related disorder. Also called: TPRN-related condition.
Inborn genetic diseases. Identifiers: MedGen C0950123, MeSH D030342.

Allele frequency attached by ClinVar (database versions not stated): gnomAD exomes 0.00005 and 0.00010; 1000 Genomes Project 0.00020; ExAC 0.00024; 1000 Genomes Project 30x 0.00031; gnomAD 0.00043 and 0.00048; TOPMed 0.00052; ESP Exome Variant Server 0.00063.
gnomAD v4.1: 131 of 1,611,430 alleles (0.0081%); highest among the groups gnomAD compares: African/African-American, 0.13%; 1 homozygote.

Submissions (3):

PreventionGenetics, part of Exact Sciences
Classification: Uncertain significance for TPRN-related condition. Last evaluated: 2026-04-26. Review status: criteria provided, single submitter. Criteria: ACMG Guidelines, 2015. Collection method: clinical testing. Allele origin: germline.
Comment: The TPRN c.952C>T variant is predicted to result in the amino acid substitution p.Arg318Trp. To our knowledge, this variant has not been reported in the literature. This variant is reported in 0.12% of alleles in individuals of African descent in gnomAD. Although we suspect that this variant may be benign, at this time, the clinical significance of this variant is uncertain due to the absence of conclusive functional and genetic evidence.

Labcorp Genetics (formerly Invitae), Labcorp
Classification: Likely benign. Last evaluated: 2024-11-25. Review status: criteria provided, single submitter. Criteria: Invitae Variant Classification Sherloc (09022015). Collection method: clinical testing. Allele origin: germline.

Ambry Genetics
Classification: Uncertain significance for Inborn genetic diseases. Last evaluated: 2024-03-20. Review status: criteria provided, single submitter. Criteria: Ambry Variant Classification Scheme 2023. Collection method: clinical testing. Allele origin: germline.